The following is an entry in ClinVar:

ClinVar aggregate classification (germline): Uncertain significance. Review status: criteria provided, multiple submitters, no conflicts (2 of 4 stars). 2 submissions from 2 submitters: Uncertain significance (2). Last evaluated 2025-05-03.

Conditions:
Inborn genetic diseases. Identifiers: MedGen C0950123, MeSH D030342.

Allele frequency attached by ClinVar (database versions not stated): gnomAD exomes 0.00007 and 0.00011; ESP Exome Variant Server 0.00015; gnomAD 0.00007 and 0.00008; TOPMed 0.00005; ExAC 0.00006.
gnomAD v4.1: 179 of 1,613,864 alleles (0.011%); highest among the groups gnomAD compares: Non-Finnish European, 0.014%; no homozygotes.

Submissions (2):

Ambry Genetics
Classification: Uncertain significance for Inborn genetic diseases. Last evaluated: 2025-05-03. Review status: criteria provided, single submitter. Criteria: Ambry Variant Classification Scheme 2023. Collection method: clinical testing. Allele origin: germline.

Labcorp Genetics (formerly Invitae), Labcorp
Classification: Uncertain significance. Last evaluated: 2024-10-22. Review status: criteria provided, single submitter. Criteria: Invitae Variant Classification Sherloc (09022015). Collection method: clinical testing. Allele origin: germline.
Comment: This sequence change replaces alanine, which is neutral and non-polar, with threonine, which is neutral and polar, at codon 45 of the TRMT5 protein (p.Ala45Thr). This variant is present in population databases (rs150947174, gnomAD 0.02%). This variant has not been reported in the literature in individuals affected with TRMT5-related conditions. ClinVar contains an entry for this variant (Variation ID: 1447988). An algorithm developed to predict the effect of missense changes on protein structure and function outputs the following: PolyPhen-2: "Benign". The threonine amino acid residue is found in multiple mammalian species, which suggests that this missense change does not adversely affect protein function. In summary, the available evidence is currently insufficient to determine the role of this variant in disease. Therefore, it has been classified as a Variant of Uncertain Significance.

NM_020810.3(TRMT5):c.133G>A (p.Ala45Thr)

Gene: TRMT5 (tRNA methyltransferase 5; minus strand). Cytogenetic location: 14q23.1.
Variant type: single nucleotide variant.
Coding change: c.133G>A on transcript NM_020810.3 (MANE Select); coding-DNA position 133, G replaced by A.
Protein change: p.Ala45Thr; replaces alanine 45 with threonine.
Molecular consequence: missense variant.
Genome position (GRCh38, 1-based): chr14:60,979,765, C>T on the plus strand (G>A on the coding strand, the complement: TRMT5 is on the minus strand). VCF-style: chr14-60979765-C-T. GRCh37 (hg19) VCF-style: chr14-61446483-C-T.
Other names: c.217G>A, p.Ala73Thr (NM_001350253.1); c.214G>A, p.Ala72Thr (NM_001350254.1); c.133G>A (NM_020810.2); short protein forms A72T, A45T, A73T.
Identifiers: ClinVar variation 1447988 (VCV001447988.7), dbSNP rs150947174, ClinGen allele CA7213977.